The following is an entry in ClinVar:

ClinVar aggregate classification (germline): Uncertain significance (1 of 4 stars; one submission).

Allele frequency attached by ClinVar (database versions not stated): gnomAD exomes below 0.00001.
gnomAD v4.1: 2 of 1,614,088 alleles (0.00012%); highest among the groups gnomAD compares: Non-Finnish European, 0.00017%; no homozygotes.

Submission:

Labcorp Genetics (formerly Invitae), Labcorp
Classification: Uncertain significance. Last evaluated: 2025-12-08. Review status: criteria provided, single submitter. Criteria: Invitae Variant Classification Sherloc (09022015). Collection method: clinical testing. Allele origin: germline.
Comment: This sequence change replaces threonine, which is neutral and polar, with alanine, which is neutral and non-polar, at codon 559 of the GRM7 protein (p.Thr559Ala). This variant is not present in population databases (gnomAD no frequency). This variant has not been reported in the literature in individuals affected with GRM7-related conditions. ClinVar contains an entry for this variant (Variation ID: 2079578). Invitae Evidence Modeling of protein sequence and biophysical properties (such as structural, functional, and spatial information, amino acid conservation, physicochemical variation, residue mobility, and thermodynamic stability) indicates that this missense variant is not expected to disrupt GRM7 protein function with a negative predictive value of 80%. In summary, the available evidence is currently insufficient to determine the role of this variant in disease. Therefore, it has been classified as a Variant of Uncertain Significance.

NM_000844.4(GRM7):c.1675A>G (p.Thr559Ala)

Gene: GRM7 (glutamate metabotropic receptor 7; plus strand). Cytogenetic location: 3p26.1.
Variant type: single nucleotide variant.
Coding change: c.1675A>G on transcript NM_000844.4 (MANE Select); coding-DNA position 1675, A replaced by G.
Protein change: p.Thr559Ala; replaces threonine 559 with alanine.
Molecular consequence: missense variant.
Genome position (GRCh38, 1-based): chr3:7,578,581, A>G. VCF-style: chr3-7578581-A-G. GRCh37 (hg19) VCF-style: chr3-7620268-A-G.
Other names: c.1675A>G, p.Thr559Ala (NM_181874.3); short protein forms T559A.
Identifiers: ClinVar variation 2079578 (VCV002079578.4), dbSNP rs1695075601, ClinGen allele CA351799180.